The following is an entry in ClinVar:

NM_006231.4(POLE):c.1443G>A (p.Leu481=)

Gene: POLE (DNA polymerase epsilon, catalytic subunit; minus strand). Cytogenetic location: 12q24.33.
Variant type: single nucleotide variant.
Coding change: c.1443G>A on transcript NM_006231.4 (MANE Select); coding-DNA position 1443, G replaced by A.
Protein change: p.Leu481=; no amino-acid change (leucine 481 retained).
Molecular consequence: synonymous variant.
Genome position (GRCh38, 1-based): chr12:132,673,194, C>T on the plus strand (G>A on the coding strand, the complement: POLE is on the minus strand). VCF-style: chr12-132673194-C-T. GRCh37 (hg19) VCF-style: chr12-133249780-C-T.
Identifiers: ClinVar variation 795453 (VCV000795453.17), dbSNP rs1593072246, ClinGen allele CA482722667.

ClinVar aggregate classification (germline): Benign/Likely benign. Review status: criteria provided, multiple submitters, no conflicts (2 of 4 stars). 5 submissions from 5 submitters: Benign (1); Likely benign (3). 1 of the submissions does not count toward it. Last evaluated 2026-07-01.

Conditions:
POLE-related disorder. Also called: POLE-related condition; POLE-related disorders.
Hereditary cancer-predisposing syndrome. Also called: Hereditary Cancer Syndrome; Tumor predisposition; Neoplastic Syndromes, Hereditary; Hereditary neoplastic syndrome. Identifiers: Orphanet 140162, MedGen C0027672, MeSH D009386, MONDO:0015356.
Colorectal cancer, susceptibility to, 12 (CRCS12). Also called: COLORECTAL CANCER, SUSCEPTIBILITY TO, ON CHROMOSOME 12q24. Identifiers: Orphanet 220460, MedGen C3554460, MONDO:0014038, OMIM 615083.

gnomAD v4.1: 1 of 1,612,946 alleles (0.000062%); highest among the groups gnomAD compares: Non-Finnish European, 0.000085%; no homozygotes.

Submissions (5):

CeGaT Center for Human Genetics Tuebingen
Classification: Likely benign. Last evaluated: 2026-07-01. Review status: criteria provided, single submitter. Criteria: CeGaT Center For Human Genetics Tuebingen Variant Classification Criteria Version 2. Collection method: clinical testing. Allele origin: germline. Affected: yes. Observed: 1 variant allele.
Comment: POLE: BP4, BP7

Labcorp Genetics (formerly Invitae), Labcorp
Classification: Likely benign. Last evaluated: 2025-02-27. Review status: criteria provided, single submitter. Criteria: Invitae Variant Classification Sherloc (09022015). Collection method: clinical testing. Allele origin: germline.

Myriad Genetics, Inc.
Classification: Benign for Colorectal cancer, susceptibility to, 12. Last evaluated: 2025-02-11. Review status: criteria provided, single submitter. Criteria: Myriad Autosomal Dominant, Autosomal Recessive and X-Linked Classification Criteria (2023). Collection method: clinical testing. Allele origin: unknown.
Comment: This variant is considered benign. This variant is a silent/synonymous amino acid change and it is not expected to impact splicing.

Ambry Genetics
Classification: Likely benign for Hereditary cancer-predisposing syndrome. Last evaluated: 2019-09-24. Review status: criteria provided, single submitter. Criteria: Ambry Variant Classification Scheme 2023. Collection method: clinical testing. Allele origin: germline.

PreventionGenetics, part of Exact Sciences
Classification: Likely benign for POLE-related condition. Last evaluated: 2022-07-15. Review status: no assertion criteria provided. Collection method: clinical testing. Allele origin: germline. Not counted in ClinVar's aggregate classification.
Comment: This variant is classified as likely benign based on ACMG/AMP sequence variant interpretation guidelines (Richards et al. 2015 PMID: 25741868, with internal and published modifications).